The following is an entry in ClinVar:

NM_014795.4(ZEB2):c.303G>T (p.Glu101Asp)

Gene: ZEB2 (zinc finger E-box binding homeobox 2; minus strand). Cytogenetic location: 2q22.3.
Variant type: single nucleotide variant.
Coding change: c.303G>T on transcript NM_014795.4 (MANE Select); coding-DNA position 303, G replaced by T.
Protein change: p.Glu101Asp; replaces glutamic acid 101 with aspartic acid.
Molecular consequence: missense variant.
Genome position (GRCh38, 1-based): chr2:144,429,797, C>A on the plus strand (G>T on the coding strand, the complement: ZEB2 is on the minus strand). VCF-style: chr2-144429797-C-A. GRCh37 (hg19) VCF-style: chr2-145187364-C-A.
Other names: c.303G>T, p.Glu101Asp (NM_001171653.2); short protein forms E101D.
Identifiers: ClinVar variation 4726723 (VCV004726723.1).

ClinVar aggregate classification (germline): Uncertain significance (1 of 4 stars; one submission).

Conditions:
Mowat-Wilson syndrome (MOWS). Also called: Classic Mowat-Wilson Syndrome. Identifiers: Orphanet 2152, MedGen C1856113, MONDO:0009341, OMIM 235730.

Submission:

Labcorp Genetics (formerly Invitae), Labcorp
Classification: Uncertain significance for Mowat-Wilson syndrome. Last evaluated: 2025-09-06. Review status: criteria provided, single submitter. Criteria: Invitae Variant Classification Sherloc (09022015). Collection method: clinical testing. Allele origin: germline.
Comment: This sequence change replaces glutamic acid, which is acidic and polar, with aspartic acid, which is acidic and polar, at codon 101 of the ZEB2 protein (p.Glu101Asp). This variant is not present in population databases (gnomAD no frequency). This variant has not been reported in the literature in individuals affected with ZEB2-related conditions. An algorithm developed to predict the effect of missense changes on protein structure and function outputs the following: PolyPhen-2: "Benign". The aspartic acid amino acid residue is found in multiple mammalian species, which suggests that this missense change does not adversely affect protein function. In summary, the available evidence is currently insufficient to determine the role of this variant in disease. Therefore, it has been classified as a Variant of Uncertain Significance.